The following is an entry in ClinVar:

NM_000204.5(CFI):c.779A>C (p.Gln260Pro)

Gene: CFI (complement factor I; minus strand). Cytogenetic location: 4q25.
Variant type: single nucleotide variant.
Coding change: c.779A>C on transcript NM_000204.5 (MANE Select); coding-DNA position 779, A replaced by C.
Protein change: p.Gln260Pro; replaces glutamine 260 with proline.
Molecular consequence: missense variant. On other transcripts: non-coding transcript variant (3).
Genome position (GRCh38, 1-based): chr4:109,760,374, T>G on the plus strand (A>C on the coding strand, the complement: CFI is on the minus strand). VCF-style: chr4-109760374-T-G. GRCh37 (hg19) VCF-style: chr4-110681530-T-G.
Other names: c.779A>C, p.Gln260Pro (NM_001318057.2, NM_001331035.2, NM_001375278.1 and 10 more transcripts); c.170A>C, p.Gln57Pro (NM_001375284.1); short protein forms Q260P, Q57P.
Identifiers: ClinVar variation 4976860 (VCV004976860.1).

ClinVar aggregate classification (germline): Uncertain significance (1 of 4 stars; one submission).

Conditions:
CFI-related disorder. Also called: CFI-related condition; CFI-related disorders. Identifiers: MedGen CN239325.

gnomAD v4.1: 2 of 1,612,220 alleles (0.00012%); highest among the groups gnomAD compares: Non-Finnish European, 0.00017%; no homozygotes.

Submission:

Genomenon, Inc
Classification: Uncertain significance for CFI-related disorder. Last evaluated: 2026-09-17. Review status: criteria provided, single submitter. Criteria: Genomenon Sequence Variant Interpretation Standards - Updated. Collection method: curation. Allele origin: germline. Affected: no.
Comment: CFI p.Gln260Pro (c.779A>C) is a missense variant that changes the amino acid at codon 260 from Glutamine to Proline. This variant has been reported in the published literature (PMID:31420192). It is absent or not present at a significant frequency in gnomAD. In conclusion, we classify CFI p.Gln260Pro (c.779A>C) as a variant of uncertain significance.

Literature cited by the submitters: PubMed 31420192.